The following is an entry in ClinVar:

NM_000540.3(RYR1):c.2510A>G (p.His837Arg)

Gene: RYR1 (ryanodine receptor 1; plus strand). Cytogenetic location: 19q13.2.
Variant type: single nucleotide variant.
Coding change: c.2510A>G on transcript NM_000540.3 (MANE Select); coding-DNA position 2510, A replaced by G.
Protein change: p.His837Arg; replaces histidine 837 with arginine.
Molecular consequence: missense variant.
Genome position (GRCh38, 1-based): chr19:38,460,524, A>G. VCF-style: chr19-38460524-A-G. GRCh37 (hg19) VCF-style: chr19-38951164-A-G.
Other names: c.2510A>G, p.His837Arg (NM_001042723.2); short protein forms H837R.
Identifiers: ClinVar variation 3716347 (VCV003716347.2).
Genomic context (GRCh38, chr19:38,460,524, plus strand): 5'-GAGAGCGACTCCATCTTGAACCCATCAAGGAGTATCGACGGGAGGGGCCCCGGGGGCCTC[A>G]CCTGGTGGGCCCCAGTCGCTGCCTCTCACACACCGACTTCGTGCCCTGCCCTGTGGACAC-3'
Protein context (NP_000531.2, residues 827-847): EYRREGPRGP[His837Arg]LVGPSRCLSH

ClinVar aggregate classification (germline): Uncertain significance (1 of 4 stars; one submission).

Conditions:
RYR1-related disorder. Also called: RYR1-related condition; RYR1-related disorders. Identifiers: MedGen CN239331.

Submission:

Labcorp Genetics (formerly Invitae), Labcorp
Classification: Uncertain significance for RYR1-related disorder. Last evaluated: 2024-02-23. Review status: criteria provided, single submitter. Criteria: Invitae Variant Classification Sherloc (09022015). Collection method: clinical testing. Allele origin: germline.
Comment: This sequence change replaces histidine, which is basic and polar, with arginine, which is basic and polar, at codon 837 of the RYR1 protein (p.His837Arg). This variant is not present in population databases (gnomAD no frequency). This variant has not been reported in the literature in individuals affected with RYR1-related conditions. Advanced modeling of protein sequence and biophysical properties (such as structural, functional, and spatial information, amino acid conservation, physicochemical variation, residue mobility, and thermodynamic stability) performed at Invitae indicates that this missense variant is not expected to disrupt RYR1 protein function with a negative predictive value of 95%. In summary, the available evidence is currently insufficient to determine the role of this variant in disease. Therefore, it has been classified as a Variant of Uncertain Significance.